The following is an entry in ClinVar:

ClinVar aggregate classification (germline): Uncertain significance (1 of 4 stars; one submission).

gnomAD v4.1: 1 of 1,614,234 alleles (0.000062%); highest among the groups gnomAD compares: Non-Finnish European, 0.000085%; no homozygotes.

Submission:

Labcorp Genetics (formerly Invitae), Labcorp
Classification: Uncertain significance. Last evaluated: 2024-05-21. Review status: criteria provided, single submitter. Criteria: Invitae Variant Classification Sherloc (09022015). Collection method: clinical testing. Allele origin: germline.
Comment: This sequence change replaces lysine, which is basic and polar, with arginine, which is basic and polar, at codon 2564 of the TRRAP protein (p.Lys2564Arg). This variant is not present in population databases (gnomAD no frequency). This variant has not been reported in the literature in individuals affected with TRRAP-related conditions. Advanced modeling of protein sequence and biophysical properties (such as structural, functional, and spatial information, amino acid conservation, physicochemical variation, residue mobility, and thermodynamic stability) performed at Invitae indicates that this missense variant is not expected to disrupt TRRAP protein function with a negative predictive value of 80%. In summary, the available evidence is currently insufficient to determine the role of this variant in disease. Therefore, it has been classified as a Variant of Uncertain Significance.

NM_001375524.1(TRRAP):c.7766A>G (p.Lys2589Arg)

Gene: TRRAP (transformation/transcription domain associated protein; plus strand). Cytogenetic location: 7q22.1.
Variant type: single nucleotide variant.
Coding change: c.7766A>G on transcript NM_001375524.1 (MANE Select); coding-DNA position 7766, A replaced by G.
Protein change: p.Lys2589Arg; replaces lysine 2589 with arginine.
Molecular consequence: missense variant.
Genome position (GRCh38, 1-based): chr7:98,971,872, A>G. VCF-style: chr7-98971872-A-G. GRCh37 (hg19) VCF-style: chr7-98569495-A-G.
Other names: c.7745A>G, p.Lys2582Arg (NM_001244580.2); c.7691A>G, p.Lys2564Arg (NM_003496.4); short protein forms K2589R, K2564R, K2582R.
Identifiers: ClinVar variation 3672997 (VCV003672997.2).